The following is an entry in ClinVar:

ClinVar aggregate classification (germline): Uncertain significance (1 of 4 stars; one submission).

Conditions:
BICC1-related disorder. Also called: BICC1-related condition.

gnomAD v4.1: 24 of 1,613,900 alleles (0.0015%); highest among the groups gnomAD compares: Non-Finnish European, 0.0019%; no homozygotes.

Submission:

PreventionGenetics, part of Exact Sciences
Classification: Uncertain significance for BICC1-related condition. Last evaluated: 2024-11-08. Review status: criteria provided, single submitter. Criteria: ACMG Guidelines, 2015. Collection method: clinical testing. Allele origin: germline.
Comment: The BICC1 c.1262G>T variant is predicted to result in the amino acid substitution p.Gly421Val. To our knowledge, this variant has not been reported in the literature. This variant is reported in 0.0056% of alleles in individuals of Latino descent in gnomAD. At this time, the clinical significance of this variant is uncertain due to the absence of conclusive functional and genetic evidence.

NM_001080512.3(BICC1):c.1262G>T (p.Gly421Val)

Gene: BICC1 (BicC family RNA binding protein 1; plus strand). Cytogenetic location: 10q21.1.
Variant type: single nucleotide variant.
Coding change: c.1262G>T on transcript NM_001080512.3 (MANE Select); coding-DNA position 1262, G replaced by T.
Protein change: p.Gly421Val; replaces glycine 421 with valine.
Molecular consequence: missense variant.
Genome position (GRCh38, 1-based): chr10:58,796,422, G>T. VCF-style: chr10-58796422-G-T. GRCh37 (hg19) VCF-style: chr10-60556182-G-T.
Other names: short protein forms G421V.
Identifiers: ClinVar variation 4986855 (VCV004986855.1).